The following is an entry in ClinVar:

ClinVar aggregate classification (germline): Uncertain significance (1 of 4 stars; one submission).

Submission:

Labcorp Genetics (formerly Invitae), Labcorp
Classification: Uncertain significance. Last evaluated: 2025-10-26. Review status: criteria provided, single submitter. Criteria: Invitae Variant Classification Sherloc (09022015). Collection method: clinical testing. Allele origin: germline.
Comment: This sequence change replaces methionine, which is neutral and non-polar, with threonine, which is neutral and polar, at codon 203 of the FCHO1 protein (p.Met203Thr). This variant is not present in population databases (gnomAD no frequency). This variant has not been reported in the literature in individuals affected with FCHO1-related conditions. An algorithm developed to predict the effect of missense changes on protein structure and function (PolyPhen-2) suggests that this variant is likely to be tolerated. In summary, the available evidence is currently insufficient to determine the role of this variant in disease. Therefore, it has been classified as a Variant of Uncertain Significance.

NM_015122.3(FCHO1):c.608T>C (p.Met203Thr)

Gene: FCHO1 (FCH and mu domain containing endocytic adaptor 1; plus strand). Cytogenetic location: 19p13.11.
Variant type: single nucleotide variant.
Coding change: c.608T>C on transcript NM_015122.3 (MANE Select); coding-DNA position 608, T replaced by C.
Protein change: p.Met203Thr; replaces methionine 203 with threonine.
Molecular consequence: missense variant. On other transcripts: non-coding transcript variant (36).
Genome position (GRCh38, 1-based): chr19:17,772,470, T>C. VCF-style: chr19-17772470-T-C. GRCh37 (hg19) VCF-style: chr19-17883279-T-C.
Other names: c.608T>C, p.Met203Thr (NM_001161357.2, NM_001161358.2, NM_001384370.1 and 26 more transcripts); c.458T>C, p.Met153Thr (NM_001161359.2, NM_001384384.1, NM_001384385.1 and 3 more transcripts); c.569T>C, p.Met190Thr (NM_001384388.1, NM_001384389.1, NM_001384405.1); c.533T>C, p.Met178Thr (NM_001384390.1); short protein forms M178T, M153T, M203T, M190T.
Identifiers: ClinVar variation 4773990 (VCV004773990.1).
Genomic context (GRCh38, chr19:17,772,470, plus strand): 5'-TCTTGGCCCTGACCTCCTTTCCACCTGCCTCTGCCCTCCTGCTTCAGCGCTTCCAAGCCA[T>C]GGAGGAGACACACCTGAGGCACATGAAGGCACTGCTGGGCTCATATGCTCACTCGGTGGA-3'
Protein context (NP_055937.1, residues 193-213): MLDSALRFQA[Met203Thr]EETHLRHMKA